The following is an entry in ClinVar:

ClinVar aggregate classification (germline): Uncertain significance. Review status: criteria provided, multiple submitters, no conflicts (2 of 4 stars). 3 submissions from 3 submitters: Uncertain significance (3). Last evaluated 2025-04-23.

Conditions:
Classic or attenuated familial adenomatous polyposis. Identifiers: MedGen CN372698, MONDO:0021057.
Familial adenomatous polyposis 1 (FAP1). Also called: FAMILIAL ADENOMATOUS POLYPOSIS 1, ATTENUATED; POLYPOSIS, ADENOMATOUS INTESTINAL. Identifiers: MedGen C2713442, MONDO:0021056, OMIM 175100. Disease mechanism: loss of function.
Hereditary cancer-predisposing syndrome. Also called: Tumor predisposition; Hereditary Cancer Syndrome; Hereditary neoplastic syndrome; Neoplastic Syndromes, Hereditary. Identifiers: Orphanet 140162, MedGen C0027672, MeSH D009386, MONDO:0015356.

Allele frequency attached by ClinVar (database versions not stated): gnomAD exomes below 0.00001.
gnomAD v4.1: 1 of 1,613,984 alleles (0.000062%); highest among the groups gnomAD compares: South Asian, 0.0011%; no homozygotes.

Submissions (3):

Labcorp Genetics (formerly Invitae), Labcorp
Classification: Uncertain significance for Familial adenomatous polyposis 1. Last evaluated: 2025-04-23. Review status: criteria provided, single submitter. Criteria: Invitae Variant Classification Sherloc (09022015). Collection method: clinical testing. Allele origin: germline.
Comment: This sequence change replaces glutamic acid, which is acidic and polar, with lysine, which is basic and polar, at codon 2281 of the APC protein (p.Glu2281Lys). This variant is present in population databases (no rsID available, gnomAD 0.003%). This variant has not been reported in the literature in individuals affected with APC-related conditions. ClinVar contains an entry for this variant (Variation ID: 537438). Invitae Evidence Modeling of protein sequence and biophysical properties (such as structural, functional, and spatial information, amino acid conservation, physicochemical variation, residue mobility, and thermodynamic stability) indicates that this missense variant is not expected to disrupt APC protein function with a negative predictive value of 95%. In summary, the available evidence is currently insufficient to determine the role of this variant in disease. Therefore, it has been classified as a Variant of Uncertain Significance.

Ambry Genetics
Classification: Uncertain significance for Hereditary cancer-predisposing syndrome. Last evaluated: 2024-11-15. Review status: criteria provided, single submitter. Criteria: Ambry Variant Classification Scheme 2023. Collection method: clinical testing. Allele origin: germline.
Comment: The p.E2281K variant (also known as c.6841G>A), located in coding exon 15 of the APC gene, results from a G to A substitution at nucleotide position 6841. The glutamic acid at codon 2281 is replaced by lysine, an amino acid with similar properties. This amino acid position is well conserved in available vertebrate species. In addition, in silico predictors for this gene do not accurately predict pathogenicity. Missense alterations in APC are not a common cause of disease (Spier I et al. Genet Med. 2024 Feb;26(2):100992). Based on the available evidence, the clinical significance of this variant remains unclear.

All of Us Research Program, National Institutes of Health
Classification: Uncertain significance for Classic or attenuated familial adenomatous polyposis. Last evaluated: 2024-07-29. Review status: criteria provided, single submitter. Criteria: ACMG Guidelines, 2015. Collection method: clinical testing. Allele origin: germline. Inheritance: Autosomal dominant inheritance. Observed: 1 variant allele, 1 heterozygote.
Comment: This missense variant replaces glutamic acid with lysine at codon 2281 of the APC protein. Computational prediction suggests that this variant may not impact protein structure and function (internally defined REVEL score threshold <= 0.5, PMID: 27666373). To our knowledge, functional studies have not been reported for this variant. This variant has not been reported in individuals affected with APC-related disorders in the literature. This variant has been identified in 1/250980 chromosomes in the general population by the Genome Aggregation Database (gnomAD). The available evidence is insufficient to determine the role of this variant in disease conclusively. Therefore, this variant is classified as a Variant of Uncertain Significance.

This study involves interpretation of variants in research participants for the purpose of population health screening. Participant phenotype was not available at the time of variant classification. Additional details can be found in publication PMID: 35346344, PMCID: PMC8962531

NM_000038.6(APC):c.6841G>A (p.Glu2281Lys)

Gene: APC (APC regulator of Wnt signaling pathway; plus strand). Cytogenetic location: 5q22.2.
Variant type: single nucleotide variant.
Coding change: c.6841G>A on transcript NM_000038.6 (MANE Select); coding-DNA position 6841, G replaced by A.
Protein change: p.Glu2281Lys; replaces glutamic acid 2281 with lysine.
Molecular consequence: missense variant.
Genome position (GRCh38, 1-based): chr5:112,842,435, G>A. VCF-style: chr5-112842435-G-A. GRCh37 (hg19) VCF-style: chr5-112178132-G-A.
Other names: c.6841G>A, p.Glu2281Lys (NM_001127510.3, NM_001354895.2); c.6787G>A, p.Glu2263Lys (NM_001127511.3); c.6895G>A, p.Glu2299Lys (NM_001354896.2); c.6871G>A, p.Glu2291Lys (NM_001354897.2); c.6766G>A, p.Glu2256Lys (NM_001354898.2); c.6757G>A, p.Glu2253Lys (NM_001354899.2); c.6718G>A, p.Glu2240Lys (NM_001354900.2); c.6664G>A, p.Glu2222Lys (NM_001354901.2); and 5 more; short protein forms E2263K, E2281K, E2155K, E2180K, E2190K, E2222K, E2240K, E2253K.
Identifiers: ClinVar variation 537438 (VCV000537438.14), dbSNP rs1236451833, ClinGen allele CA16036263.